The following is an entry in ClinVar:

NM_001110556.2(FLNA):c.6295G>A (p.Asp2099Asn)

Gene: FLNA (filamin A; minus strand). Cytogenetic location: Xq28.
Variant type: single nucleotide variant.
Coding change: c.6295G>A on transcript NM_001110556.2 (MANE Select); coding-DNA position 6295, G replaced by A.
Protein change: p.Asp2099Asn; replaces aspartic acid 2099 with asparagine.
Molecular consequence: missense variant.
Genome position (GRCh38, 1-based): chrX:154,352,856, C>T on the plus strand (G>A on the coding strand, the complement: FLNA is on the minus strand). VCF-style: chrX-154352856-C-T. GRCh37 (hg19) VCF-style: chrX-153581224-C-T.
Other names: c.6271G>A, p.Asp2091Asn (NM_001456.4); short protein forms D2091N, D2099N.
Identifiers: ClinVar variation 3762808 (VCV003762808.2).
Genomic context (GRCh38, chrX:154,352,856, plus strand): 5'-TGATGTTGATGATGTAGTTGCCTGGCTCTGTGGGGCAGTAGGTGACCCTGCACGTCCCGT[C>T]CTCCAGGTCCTCTGTGTTGATGTCCACCTTGCTGGGGCCCTCAATGGACAGGCTGAGCCC-3'
Protein context (NP_001104026.1, residues 2089-2109): KVDINTEDLE[Asp2099Asn]GTCRVTYCPT

ClinVar aggregate classification (germline): Uncertain significance (1 of 4 stars; one submission).

Conditions:
Oto-palato-digital syndrome, type II (OPD2). Also called: Otopalatodigital Syndrome Type 2 (FLNA-OPD2); FACIOPALATOOSSEOUS SYNDROME; OPD II SYNDROME; Otopalatodigital Syndrome, Type II. Identifiers: Orphanet 669, Orphanet 90652, MedGen C1844696, MONDO:0010571, OMIM 304120.
Heterotopia, periventricular, X-linked dominant (PVNH1). Also called: PERIVENTRICULAR NODULAR HETEROTOPIA 1; X-linked periventricular heterotopia; PERIVENTRICULAR NODULAR HETEROTOPIA 4; HETEROTOPIA, PERIVENTRICULAR, 1. Identifiers: Orphanet 2149, Orphanet 82004, MedGen C1848213, MONDO:0010233, OMIM 300049.
Frontometaphyseal dysplasia (FMD1). Identifiers: Orphanet 1826, MedGen C0265293, MONDO:0015942.
Melnick-Needles syndrome (MNS). Also called: Melnick-Needles Syndrome (FLNA-MNS); MELNICK-NEEDLES OSTEODYSPLASTY; OSTEODYSPLASTY OF MELNICK AND NEEDLES. Identifiers: Orphanet 2484, MedGen C0025237, MONDO:0010650, OMIM 309350.

gnomAD v4.1: 2 of 1,211,607 alleles (0.00017%); highest among the groups gnomAD compares: Admixed American, 0.0022%; no homozygotes.

Submission:

Labcorp Genetics (formerly Invitae), Labcorp
Classification: Uncertain significance for Oto-palato-digital syndrome, type II; Heterotopia, periventricular, X-linked dominant; Frontometaphyseal dysplasia; Melnick-Needles syndrome. Last evaluated: 2024-02-26. Review status: criteria provided, single submitter. Criteria: Invitae Variant Classification Sherloc (09022015). Collection method: clinical testing. Allele origin: germline.
Comment: This sequence change replaces aspartic acid, which is acidic and polar, with asparagine, which is neutral and polar, at codon 2091 of the FLNA protein (p.Asp2091Asn). This variant is not present in population databases (gnomAD no frequency). This variant has not been reported in the literature in individuals affected with FLNA-related conditions. Advanced modeling of protein sequence and biophysical properties (such as structural, functional, and spatial information, amino acid conservation, physicochemical variation, residue mobility, and thermodynamic stability) performed at Invitae indicates that this missense variant is not expected to disrupt FLNA protein function with a negative predictive value of 95%. In summary, the available evidence is currently insufficient to determine the role of this variant in disease. Therefore, it has been classified as a Variant of Uncertain Significance.